The following is an entry in ClinVar:

ClinVar aggregate classification (germline): Pathogenic (1 of 4 stars; one submission).

Conditions:
Hereditary cancer-predisposing syndrome. Also called: Tumor predisposition; Hereditary Cancer Syndrome; Neoplastic Syndromes, Hereditary; Hereditary neoplastic syndrome. Identifiers: Orphanet 140162, MedGen C0027672, MeSH D009386, MONDO:0015356.

Submission:

Ambry Genetics
Classification: Pathogenic for Hereditary cancer-predisposing syndrome. Last evaluated: 2019-06-12. Review status: criteria provided, single submitter. Criteria: Ambry Variant Classification Scheme 2023. Collection method: clinical testing. Allele origin: germline.
Comment: The c.3113_3115delAAGinsGA pathogenic mutation, located in coding exon 9 of the BRCA1 gene, results from the deletion of 3 nucleotides and insertion of two nucleotides causing a translational frameshift with a predicted alternate stop codon (p.E1038Gfs*10). This alteration is expected to result in loss of function by premature protein truncation or nonsense-mediated mRNA decay. As such, this alteration is interpreted as a disease-causing mutation.

NM_007294.4(BRCA1):c.3113_3115delinsGA (p.Glu1038fs)

Gene: BRCA1 (BRCA1 DNA repair associated; minus strand). Cytogenetic location: 17q21.31.
Variant type: Indel.
Coding change: c.3113_3115delinsGA on transcript NM_007294.4 (MANE Select); coding-DNA positions 3113 to 3115, AAG replaced by GA.
Protein change: p.Glu1038fs; shifts the reading frame from glutamic acid 1038.
Molecular consequence: frameshift variant. On other transcripts: intron variant (137).
Genome position (GRCh38, 1-based): chr17:43,092,416-43,092,418, CTT replaced by TC on the plus strand (AAG replaced by GA on the coding strand, the reverse complement: BRCA1 is on the minus strand). VCF-style: chr17-43092416-CTT-TC. GRCh37 (hg19) VCF-style: chr17-41244433-CTT-TC.
Other names: c.2900_2902delinsGA, p.Glu967fs (NM_001407571.1, NM_001407853.1, NM_001407894.1 and 9 more transcripts); c.3113_3115delinsGA, p.Glu1038fs (NM_001407581.1, NM_001407582.1, NM_001407583.1 and 30 more transcripts); c.3110_3112delinsGA, p.Glu1037fs (NM_001407587.1, NM_001407590.1, NM_001407591.1 and 22 more transcripts); c.575-1386_575-1384delinsGA (NM_001408493.1, NM_001408490.1, NM_001408491.1); c.455-1386_455-1384delinsGA (NM_001408502.1); c.578-1386_578-1384delinsGA (NM_001408489.1, NM_001408479.1, NM_001408482.1 and 9 more transcripts); c.662-1386_662-1384delinsGA (NM_001408445.1, NM_001408432.1, NM_001408450.1 and 6 more transcripts); c.668-1386_668-1384delinsGA (NM_001408431.1, NM_001408424.1, NM_001408421.1); and 41 more; short protein forms E1038fs, E991fs, E1012fs, E1035fs, E1037fs, E926fs, E970fs, E742fs.
Identifiers: ClinVar variation 822914 (VCV000822914.5), dbSNP rs1597865625, ClinGen allele CA915950134.